The following is an entry in ClinVar:

NM_053025.4(MYLK):c.2687A>G (p.Asp896Gly)

Gene: MYLK (myosin light chain kinase; minus strand). Cytogenetic location: 3q21.1.
Variant type: single nucleotide variant.
Coding change: c.2687A>G on transcript NM_053025.4 (MANE Select); coding-DNA position 2687, A replaced by G.
Protein change: p.Asp896Gly; replaces aspartic acid 896 with glycine.
Molecular consequence: missense variant.
Genome position (GRCh38, 1-based): chr3:123,700,781, T>C on the plus strand (A>G on the coding strand, the complement: MYLK is on the minus strand). VCF-style: chr3-123700781-T-C. GRCh37 (hg19) VCF-style: chr3-123419628-T-C.
Other names: c.2159A>G, p.Asp720Gly (NM_001321309.2); c.2480A>G, p.Asp827Gly (NM_053026.4, NM_053028.4); c.2687A>G, p.Asp896Gly (NM_053027.4); short protein forms D896G, D720G, D827G.
Identifiers: ClinVar variation 2197940 (VCV002197940.4), dbSNP rs2474185043, ClinGen allele CA354231914.

ClinVar aggregate classification (germline): Uncertain significance (1 of 4 stars; one submission).

Conditions:
Aortic aneurysm, familial thoracic 7 (AAT7). Also called: AORTIC DISSECTION, FAMILIAL, WITH OR WITHOUT AORTIC ANEURYSM. Identifiers: MedGen C3151077, MONDO:0013418, OMIM 613780.

Submission:

Labcorp Genetics (formerly Invitae), Labcorp
Classification: Uncertain significance for Aortic aneurysm, familial thoracic 7. Last evaluated: 2022-06-05. Review status: criteria provided, single submitter. Criteria: Invitae Variant Classification Sherloc (09022015). Collection method: clinical testing. Allele origin: germline.
Comment: Advanced modeling of protein sequence and biophysical properties (such as structural, functional, and spatial information, amino acid conservation, physicochemical variation, residue mobility, and thermodynamic stability) performed at Invitae indicates that this missense variant is not expected to disrupt MYLK protein function. In summary, the available evidence is currently insufficient to determine the role of this variant in disease. Therefore, it has been classified as a Variant of Uncertain Significance. This sequence change replaces aspartic acid, which is acidic and polar, with glycine, which is neutral and non-polar, at codon 896 of the MYLK protein (p.Asp896Gly). This variant is not present in population databases (gnomAD no frequency). This variant has not been reported in the literature in individuals affected with MYLK-related conditions.